The following is an entry in ClinVar:

NM_198904.4(GABRG2):c.1098C>G (p.Ser366Arg)

Gene: GABRG2 (gamma-aminobutyric acid type A receptor subunit gamma2; plus strand). Cytogenetic location: 5q34.
Variant type: single nucleotide variant.
Coding change: c.1098C>G on transcript NM_198904.4 (MANE Select); coding-DNA position 1098, C replaced by G.
Protein change: p.Ser366Arg; replaces serine 366 with arginine.
Molecular consequence: missense variant. On other transcripts: intron variant (1).
Genome position (GRCh38, 1-based): chr5:162,149,283, C>G. VCF-style: chr5-162149283-C-G. GRCh37 (hg19) VCF-style: chr5-161576289-C-G.
Other names: c.1098C>G, p.Ser366Arg (NM_000816.3); c.1089C>G, p.Ser363Arg (NM_001375339.1); c.1095C>G, p.Ser365Arg (NM_001375341.1, NM_001375342.1); c.1218C>G, p.Ser406Arg (NM_001375343.1, NM_198903.2); c.1137C>G, p.Ser379Arg (NM_001375344.1); c.1032C>G, p.Ser344Arg (NM_001375345.1, NM_001375346.1); c.1011C>G, p.Ser337Arg (NM_001375347.1); c.678C>G, p.Ser226Arg (NM_001375348.1, NM_001375350.1); and 2 more; short protein forms S226R, S271R, S337R, S344R, S363R, S365R, S366R, S379R.
Identifiers: ClinVar variation 3751034 (VCV003751034.2).

ClinVar aggregate classification (germline): Uncertain significance (1 of 4 stars; one submission).

Conditions:
Febrile seizures, familial, 8 (FEB8). Also called: CONVULSIONS, FAMILIAL FEBRILE, 8. Identifiers: Orphanet 36387, MedGen C1969810, MONDO:0011891, OMIM 607681.
EPILEPSY, CHILDHOOD ABSENCE, SUSCEPTIBILITY TO, 2 (ECA2). Identifiers: Orphanet 64280, MedGen C1843244, OMIM 607681.

Submission:

Labcorp Genetics (formerly Invitae), Labcorp
Classification: Uncertain significance for Febrile seizures, familial, 8; EPILEPSY, CHILDHOOD ABSENCE, SUSCEPTIBILITY TO, 2. Last evaluated: 2025-02-06. Review status: criteria provided, single submitter. Criteria: Invitae Variant Classification Sherloc (09022015). Collection method: clinical testing. Allele origin: germline.
Comment: This sequence change replaces serine, which is neutral and polar, with arginine, which is basic and polar, at codon 366 of the GABRG2 protein (p.Ser366Arg). This variant is not present in population databases (gnomAD no frequency). This variant has not been reported in the literature in individuals affected with GABRG2-related conditions. Invitae Evidence Modeling of protein sequence and biophysical properties (such as structural, functional, and spatial information, amino acid conservation, physicochemical variation, residue mobility, and thermodynamic stability) indicates that this missense variant is not expected to disrupt GABRG2 protein function with a negative predictive value of 95%. In summary, the available evidence is currently insufficient to determine the role of this variant in disease. Therefore, it has been classified as a Variant of Uncertain Significance.